The following is an entry in ClinVar:

NM_003327.4(TNFRSF4):c.354C>G (p.Ser118Arg)

Gene: TNFRSF4 (TNF receptor superfamily member 4; minus strand). Cytogenetic location: 1p36.33.
Variant type: single nucleotide variant.
Coding change: c.354C>G on transcript NM_003327.4 (MANE Select); coding-DNA position 354, C replaced by G.
Protein change: p.Ser118Arg; replaces serine 118 with arginine.
Molecular consequence: missense variant.
Genome position (GRCh38, 1-based): chr1:1,213,008, G>C on the plus strand (C>G on the coding strand, the complement: TNFRSF4 is on the minus strand). VCF-style: chr1-1213008-G-C. GRCh37 (hg19) VCF-style: chr1-1148388-G-C.
Other names: c.354C>G, p.Ser118Arg (NM_001410709.1); short protein forms S118R.
Identifiers: ClinVar variation 2723071 (VCV002723071.3), dbSNP rs1376702819, ClinGen allele CA337801366.

ClinVar aggregate classification (germline): Uncertain significance (1 of 4 stars; one submission).

Conditions:
Combined immunodeficiency due to OX40 deficiency. Also called: Immunodeficiency 16; OX40 DEFICIENCY. Identifiers: Orphanet 431149, MedGen C3810053, MONDO:0014268, OMIM 615593.

Allele frequency attached by ClinVar (database versions not stated): gnomAD exomes 0.00002.
gnomAD v4.1: 32 of 1,611,456 alleles (0.002%); highest among the groups gnomAD compares: Non-Finnish European, 0.0026%; no homozygotes.

Submission:

Labcorp Genetics (formerly Invitae), Labcorp
Classification: Uncertain significance for Combined immunodeficiency due to OX40 deficiency. Last evaluated: 2025-12-22. Review status: criteria provided, single submitter. Criteria: Invitae Variant Classification Sherloc (09022015). Collection method: clinical testing. Allele origin: germline.
Comment: This sequence change replaces serine, which is neutral and polar, with arginine, which is basic and polar, at codon 118 of the TNFRSF4 protein (p.Ser118Arg). This variant is present in population databases (no rsID available, gnomAD 0.003%). This variant has not been reported in the literature in individuals affected with TNFRSF4-related conditions. ClinVar contains an entry for this variant (Variation ID: 2723071). Invitae Evidence Modeling of protein sequence and biophysical properties (such as structural, functional, and spatial information, amino acid conservation, physicochemical variation, residue mobility, and thermodynamic stability) indicates that this missense variant is not expected to disrupt TNFRSF4 protein function with a negative predictive value of 80%. Algorithms developed to predict the effect of sequence changes on RNA splicing suggest that this variant may disrupt the consensus splice site. In summary, the available evidence is currently insufficient to determine the role of this variant in disease. Therefore, it has been classified as a Variant of Uncertain Significance.